The following is an entry in ClinVar:

ClinVar aggregate classification (germline): Uncertain significance. Review status: criteria provided, multiple submitters, no conflicts (2 of 4 stars). 2 submissions from 2 submitters: Uncertain significance (2). Last evaluated 2023-08-01.

Conditions:
Joubert syndrome. Also called: CEREBELLOPARENCHYMAL DISORDER IV; JOUBERT-BOLTSHAUSER SYNDROME; Familial aplasia of the vermis. Identifiers: Orphanet 475, MedGen C5979921, MONDO:0018772.

Allele frequency attached by ClinVar (database versions not stated): gnomAD exomes below 0.00001 and 0.00001; TOPMed 0.00001.
gnomAD v4.1: 14 of 1,613,740 alleles (0.00087%); highest among the groups gnomAD compares: African/African-American, 0.0027%; no homozygotes.

Submissions (2):

GeneDx
Classification: Uncertain significance. Last evaluated: 2023-08-01. Review status: criteria provided, single submitter. Criteria: GeneDx Variant Classification Process June 2021. Collection method: clinical testing. Allele origin: germline. Affected: yes.
Comment: Not observed at significant frequency in large population cohorts (gnomAD); In silico analysis supports that this missense variant does not alter protein structure/function; Has not been previously published as pathogenic or benign to our knowledge

Labcorp Genetics (formerly Invitae), Labcorp
Classification: Uncertain significance for Joubert syndrome. Last evaluated: 2021-10-13. Review status: criteria provided, single submitter. Criteria: Invitae Variant Classification Sherloc (09022015). Collection method: clinical testing. Allele origin: germline.
Comment: This sequence change replaces isoleucine with methionine at codon 735 of the AHI1 protein (p.Ile735Met). The isoleucine residue is weakly conserved and there is a small physicochemical difference between isoleucine and methionine. This variant is not present in population databases (ExAC no frequency). This variant has not been reported in the literature in individuals affected with AHI1-related conditions. Advanced modeling of protein sequence and biophysical properties (such as structural, functional, and spatial information, amino acid conservation, physicochemical variation, residue mobility, and thermodynamic stability) performed at Invitae indicates that this missense variant is not expected to disrupt AHI1 protein function. In summary, the available evidence is currently insufficient to determine the role of this variant in disease. Therefore, it has been classified as a Variant of Uncertain Significance.

NM_001134831.2(AHI1):c.2205A>G (p.Ile735Met)

Gene: AHI1 (Abelson helper integration site 1; minus strand). Cytogenetic location: 6q23.3.
Variant type: single nucleotide variant.
Coding change: c.2205A>G on transcript NM_001134831.2 (MANE Select); coding-DNA position 2205, A replaced by G.
Protein change: p.Ile735Met; replaces isoleucine 735 with methionine.
Molecular consequence: missense variant.
Genome position (GRCh38, 1-based): chr6:135,433,088, T>C on the plus strand (A>G on the coding strand, the complement: AHI1 is on the minus strand). VCF-style: chr6-135433088-T-C. GRCh37 (hg19) VCF-style: chr6-135754226-T-C.
Other names: c.2205A>G (NM_017651.4); c.2205A>G, p.Ile735Met (NM_001134830.2, NM_001134832.2, NM_001350503.2 and 2 more transcripts); short protein forms I735M.
Identifiers: ClinVar variation 1432067 (VCV001432067.4), dbSNP rs956311950, ClinGen allele CA148122403.
Genomic context (GRCh38, chr6:135,433,088, plus strand): 5'-TTCAGTATCAAAACAAAGTGAGTTGATAAAACTTTTGTGAACATCAAACTGTCGGACCAA[T>C]ATGGCAGAATCTTCTCTCATCTCAACTTTCCATATCCGTATCATGGAATCATAGCATCCT-3'
Protein context (NP_001128303.1, residues 725-745): WKVEMREDSA[Ile735Met]LVRQFDVHKS